The following is an entry in ClinVar:

ClinVar aggregate classification (germline): Conflicting classifications of pathogenicity. Review status: criteria provided, conflicting classifications (1 of 4 stars). 2 submissions from 2 submitters: Likely pathogenic (1); Uncertain significance (1). Last evaluated 2025-02-26.

Conditions:
Charcot-Marie-Tooth disease, type I (CMT1). Also called: Charcot-Marie-Tooth disease type 1; Charcot-Marie-Tooth, Type 1. Identifiers: Orphanet 65753, MedGen C0751036, MONDO:0019011.

Submissions (2):

Labcorp Genetics (formerly Invitae), Labcorp
Classification: Uncertain significance for Charcot-Marie-Tooth disease, type I. Last evaluated: 2025-02-26. Review status: criteria provided, single submitter. Criteria: Invitae Variant Classification Sherloc (09022015). Collection method: clinical testing. Allele origin: germline.
Comment: This sequence change replaces serine, which is neutral and polar, with arginine, which is basic and polar, at codon 76 of the PMP22 protein (p.Ser76Arg). This variant is not present in population databases (gnomAD no frequency). This missense change has been observed in individual(s) with clinical features of PMP22-related conditions (internal data). ClinVar contains an entry for this variant (Variation ID: 448088). An algorithm developed to predict the effect of missense changes on protein structure and function (PolyPhen-2) suggests that this variant is likely to be disruptive. This variant disrupts the p.Ser76 amino acid residue in PMP22. Other variant(s) that disrupt this residue have been observed in individuals with PMP22-related conditions (PMID: 9055797), which suggests that this may be a clinically significant amino acid residue. In summary, the available evidence is currently insufficient to determine the role of this variant in disease. Therefore, it has been classified as a Variant of Uncertain Significance.

Athena Diagnostics
Classification: Likely pathogenic. Last evaluated: 2017-01-27. Review status: criteria provided, single submitter. Criteria: Athena Diagnostics Criteria. Collection method: clinical testing. Allele origin: germline.

Literature cited by the submitters: PubMed 9055797 (cited by Labcorp Genetics (formerly Invitae), Labcorp).

NM_000304.4(PMP22):c.228C>G (p.Ser76Arg)

Gene: PMP22 (peripheral myelin protein 22; minus strand). Cytogenetic location: 17p12.
Variant type: single nucleotide variant.
Coding change: c.228C>G on transcript NM_000304.4 (MANE Select); coding-DNA position 228, C replaced by G.
Protein change: p.Ser76Arg; replaces serine 76 with arginine.
Molecular consequence: missense variant. On other transcripts: non-coding transcript variant (2).
Genome position (GRCh38, 1-based): chr17:15,239,562, G>C on the plus strand (C>G on the coding strand, the complement: PMP22 is on the minus strand). VCF-style: chr17-15239562-G-C. GRCh37 (hg19) VCF-style: chr17-15142879-G-C.
Other names: c.228C>G, p.Ser76Arg (NM_001281455.2, NM_001281456.2, NM_001330143.2 and 2 more transcripts); short protein forms S76R.
Identifiers: ClinVar variation 448088 (VCV000448088.2), dbSNP rs1555565283, ClinGen allele CA398268148.